The following is an entry in ClinVar:

ClinVar aggregate classification (germline): Conflicting classifications of pathogenicity. Review status: criteria provided, conflicting classifications (1 of 4 stars). 2 submissions from 2 submitters: Likely pathogenic (1); Uncertain significance (1). Last evaluated 2025-02-24.

Conditions:
ATP1A3-related disorder. Also called: ATP1A3-related disorders; ATP1A3-related condition. Identifiers: MedGen CN381097.
Dystonia 12 (DYT12). Also called: Rapid-Onset Dystonia-Parkinsonism (RDP); DYT-ATP1A3. Identifiers: Orphanet 71517, MedGen C1868681, MONDO:0007496, OMIM 128235.

Allele frequency attached by ClinVar (database versions not stated): gnomAD exomes below 0.00001 and 0.00001; gnomAD 0.00001; 1000 Genomes Project 30x 0.00016; 1000 Genomes Project 0.00020.
gnomAD v4.1: 10 of 1,613,898 alleles (0.00062%); highest among the groups gnomAD compares: South Asian, 0.0011%; no homozygotes.

Submissions (2):

Labcorp Genetics (formerly Invitae), Labcorp
Classification: Likely pathogenic for Dystonia 12. Last evaluated: 2025-02-24. Review status: criteria provided, single submitter. Criteria: Invitae Variant Classification Sherloc (09022015). Collection method: clinical testing. Allele origin: germline.
Comment: This sequence change replaces glycine, which is neutral and non-polar, with serine, which is neutral and polar, at codon 963 of the ATP1A3 protein (p.Gly963Ser). This variant is not present in population databases (gnomAD no frequency). This variant has not been reported in the literature in individuals affected with ATP1A3-related conditions. ClinVar contains an entry for this variant (Variation ID: 1020197). Invitae Evidence Modeling of protein sequence and biophysical properties (such as structural, functional, and spatial information, amino acid conservation, physicochemical variation, residue mobility, and thermodynamic stability) indicates that this missense variant is expected to disrupt ATP1A3 protein function with a positive predictive value of 95%. This variant disrupts the p.Gly963 amino acid residue in ATP1A3. Other variant(s) that disrupt this residue have been determined to be pathogenic (PMID: 36114075). This suggests that this residue is clinically significant, and that variants that disrupt this residue are likely to be disease-causing. In summary, the currently available evidence indicates that the variant is pathogenic, but additional data are needed to prove that conclusively. Therefore, this variant has been classified as Likely Pathogenic.

PreventionGenetics, part of Exact Sciences
Classification: Uncertain significance for ATP1A3-related condition. Last evaluated: 2023-02-06. Review status: criteria provided, single submitter. Criteria: ACMG Guidelines, 2015. Collection method: clinical testing. Allele origin: germline.
Comment: The ATP1A3 c.2926G>A variant is predicted to result in the amino acid substitution p.Gly976Ser. To our knowledge, this variant has not been reported in the literature. This variant is reported in 0.00088% of alleles in individuals of European (Non-Finnish) descent in gnomAD. At this time, the clinical significance of this variant is uncertain due to the absence of conclusive functional and genetic evidence.

Literature cited by the submitters: PubMed 36114075 (cited by Labcorp Genetics (formerly Invitae), Labcorp).

NM_152296.5(ATP1A3):c.2887G>A (p.Gly963Ser)

Gene: ATP1A3 (ATPase Na+/K+ transporting subunit alpha 3; minus strand). Cytogenetic location: 19q13.2.
Variant type: single nucleotide variant.
Coding change: c.2887G>A on transcript NM_152296.5 (MANE Select); coding-DNA position 2887, G replaced by A.
Protein change: p.Gly963Ser; replaces glycine 963 with serine.
Molecular consequence: missense variant.
Genome position (GRCh38, 1-based): chr19:41,967,696, C>T on the plus strand (G>A on the coding strand, the complement: ATP1A3 is on the minus strand). VCF-style: chr19-41967696-C-T. GRCh37 (hg19) VCF-style: chr19-42471848-C-T.
Other names: c.2920G>A, p.Gly974Ser (NM_001256213.2); c.2926G>A, p.Gly976Ser (NM_001256214.2); c.2926G>A (NM_001256214.1); short protein forms G963S, G974S, G976S.
Identifiers: ClinVar variation 1020197 (VCV001020197.9), dbSNP rs200582951, ClinGen allele CA406035457.